The following is an entry in ClinVar:

NM_000303.3(PMM2):c.539T>C (p.Phe180Ser)

Gene: PMM2 (phosphomannomutase 2; plus strand). Cytogenetic location: 16p13.2.
Variant type: single nucleotide variant.
Coding change: c.539T>C on transcript NM_000303.3 (MANE Select); coding-DNA position 539, T replaced by C.
Protein change: p.Phe180Ser; replaces phenylalanine 180 with serine.
Molecular consequence: missense variant.
Genome position (GRCh38, 1-based): chr16:8,813,006, T>C. VCF-style: chr16-8813006-T-C. GRCh37 (hg19) VCF-style: chr16-8906863-T-C.
Other names: short protein forms F180S.
Identifiers: ClinVar variation 1385176 (VCV001385176.8), dbSNP rs1293479073, ClinGen allele CA394697700.

ClinVar aggregate classification (germline): Uncertain significance (1 of 4 stars; one submission).

Conditions:
PMM2-congenital disorder of glycosylation. Also called: Congenital disorder of glycosylation, type Ia; PHOSPHOMANNOMUTASE 2 DEFICIENCY; CARBOHYDRATE-DEFICIENT GLYCOPROTEIN SYNDROME, TYPE Ia; CDG Ia; PMM2-CDG; JAEKEN SYNDROME. Identifiers: Orphanet 79318, MedGen C0349653, MONDO:0008907, OMIM 212065.

Allele frequency attached by ClinVar (database versions not stated): gnomAD exomes below 0.00001 and 0.00001.
gnomAD v4.1: 12 of 1,610,924 alleles (0.00074%); highest among the groups gnomAD compares: Non-Finnish European, 0.001%; no homozygotes.

Submission:

Labcorp Genetics (formerly Invitae), Labcorp
Classification: Uncertain significance for PMM2-congenital disorder of glycosylation. Last evaluated: 2023-10-13. Review status: criteria provided, single submitter. Criteria: Invitae Variant Classification Sherloc (09022015). Collection method: clinical testing. Allele origin: germline.
Comment: This sequence change replaces phenylalanine, which is neutral and non-polar, with serine, which is neutral and polar, at codon 180 of the PMM2 protein (p.Phe180Ser). This variant is present in population databases (no rsID available, gnomAD 0.0009%). This variant has not been reported in the literature in individuals affected with PMM2-related conditions. ClinVar contains an entry for this variant (Variation ID: 1385176). Advanced modeling of protein sequence and biophysical properties (such as structural, functional, and spatial information, amino acid conservation, physicochemical variation, residue mobility, and thermodynamic stability) performed at Invitae indicates that this missense variant is expected to disrupt PMM2 protein function. In summary, the available evidence is currently insufficient to determine the role of this variant in disease. Therefore, it has been classified as a Variant of Uncertain Significance.